The following is an entry in ClinVar:

ClinVar aggregate classification (germline): Conflicting classifications of pathogenicity. Review status: criteria provided, conflicting classifications (1 of 4 stars). 9 submissions from 4 submitters: Uncertain significance (7); Likely benign (2). Last evaluated 2025-07-27.

Conditions:
Weill-Marchesani syndrome. Also called: WM Syndrome; Mesodermal dysmorphodystrophy congenital. Identifiers: Orphanet 3449, MedGen C0265313, MONDO:0018096.
Acromicric dysplasia (ACMICD). Also called: Acromicric skeletal dysplasia. Identifiers: Orphanet 969, MedGen C0265287, MONDO:0007055, OMIM 102370.
Stiff skin syndrome (SSKS). Identifiers: Orphanet 2833, MedGen C1861456, MONDO:0008492, OMIM 184900.
Ectopia lentis 1, isolated, autosomal dominant (ECTOL1). Identifiers: Orphanet 1885, MedGen C3541518, MONDO:0007514, OMIM 129600.
Marfan syndrome (MFS). Also called: Marfan syndrome type 1; Marfan's syndrome; MARFAN SYNDROME, TYPE I; Marfan syndrome, classic; FBN1-Related Marfan Syndrome. Identifiers: Orphanet 284963, Orphanet 558, MedGen C0024796, MONDO:0007947, OMIM 154700.
Familial thoracic aortic aneurysm and aortic dissection (TAAD). Also called: Thoracic aortic aneurysms and dissections. Identifiers: Orphanet 91387, MedGen C4707243, MONDO:0019625.

Allele frequency attached by ClinVar (database versions not stated): gnomAD exomes below 0.00001 and 0.00001.
gnomAD v4.1: 7 of 1,613,438 alleles (0.00043%); highest among the groups gnomAD compares: Admixed American, 0.0017%; no homozygotes.

Submissions (9):

Labcorp Genetics (formerly Invitae), Labcorp
Classification: Likely benign for Marfan syndrome; Familial thoracic aortic aneurysm and aortic dissection. Last evaluated: 2025-07-27. Review status: criteria provided, single submitter. Criteria: Invitae Variant Classification Sherloc (09022015). Collection method: clinical testing. Allele origin: germline.

Color Diagnostics, LLC DBA Color Health
Classification: Likely benign for Familial thoracic aortic aneurysm and aortic dissection. Last evaluated: 2025-05-12. Review status: criteria provided, single submitter. Criteria: ACMG Guidelines, 2015. Collection method: clinical testing. Allele origin: germline.

All of Us Research Program, National Institutes of Health
Classification: Uncertain significance for Marfan syndrome. Last evaluated: 2024-05-17. Review status: criteria provided, single submitter. Criteria: ACMG Guidelines, 2015. Collection method: clinical testing. Allele origin: germline. Inheritance: Autosomal dominant inheritance. Observed: 2 variant alleles, 2 heterozygotes.
Comment: This study involves interpretation of variants in research participants for the purpose of population health screening. Participant phenotype was not available at the time of variant classification. Additional details can be found in publication PMID: 35346344, PMCID: PMC8962531

Illumina Laboratory Services, Illumina
Classification: Uncertain significance for Weill-Marchesani syndrome. Last evaluated: 2018-01-12. Review status: criteria provided, single submitter. Criteria: ICSL Variant Classification Criteria 13 December 2019. Collection method: clinical testing. Allele origin: germline.

Illumina Laboratory Services, Illumina
Classification: Uncertain significance for Stiff skin syndrome. Last evaluated: 2018-01-12. Review status: criteria provided, single submitter. Criteria: ICSL Variant Classification Criteria 13 December 2019. Collection method: clinical testing. Allele origin: germline.

Illumina Laboratory Services, Illumina
Classification: Uncertain significance for Marfan syndrome. Last evaluated: 2018-01-12. Review status: criteria provided, single submitter. Criteria: ICSL Variant Classification Criteria 13 December 2019. Collection method: clinical testing. Allele origin: germline.

Illumina Laboratory Services, Illumina
Classification: Uncertain significance for Familial thoracic aortic aneurysm and aortic dissection. Last evaluated: 2018-01-12. Review status: criteria provided, single submitter. Criteria: ICSL Variant Classification Criteria 13 December 2019. Collection method: clinical testing. Allele origin: germline.

Illumina Laboratory Services, Illumina
Classification: Uncertain significance for Ectopia lentis 1, isolated, autosomal dominant. Last evaluated: 2018-01-12. Review status: criteria provided, single submitter. Criteria: ICSL Variant Classification Criteria 13 December 2019. Collection method: clinical testing. Allele origin: germline.

Illumina Laboratory Services, Illumina
Classification: Uncertain significance for Acromicric dysplasia. Last evaluated: 2018-01-12. Review status: criteria provided, single submitter. Criteria: ICSL Variant Classification Criteria 13 December 2019. Collection method: clinical testing. Allele origin: germline.

NM_000138.5(FBN1):c.223C>T (p.Pro75Ser)

Gene: FBN1 (fibrillin 1; minus strand). Cytogenetic location: 15q21.1.
Variant type: single nucleotide variant.
Coding change: c.223C>T on transcript NM_000138.5 (MANE Select); coding-DNA position 223, C replaced by T.
Protein change: p.Pro75Ser; replaces proline 75 with serine.
Molecular consequence: missense variant.
Genome position (GRCh38, 1-based): chr15:48,613,034, G>A on the plus strand (C>T on the coding strand, the complement: FBN1 is on the minus strand). VCF-style: chr15-48613034-G-A. GRCh37 (hg19) VCF-style: chr15-48905231-G-A.
Other names: short protein forms P75S.
Identifiers: ClinVar variation 316393 (VCV000316393.12), dbSNP rs886051252, ClinGen allele CA10642094.
Genomic context (GRCh38, chr15:48,613,034, plus strand): 5'-AGGACATGCAGAATGACAAGTTTTCTATTTACTTACGGACAATACACTGATTTCCGCCAG[G>A]TAAGGTTTTCCATCCAGGGCAACAGTAAGCATTATAACGTGATCCACAGACATTGGGTCT-3'
Protein context (NP_000129.3, residues 65-85): AYCCPGWKTL[Pro75Ser]GGNQCIVPIC